The following is an entry in ClinVar:

ClinVar aggregate classification (germline): Conflicting classifications of pathogenicity. Review status: criteria provided, conflicting classifications (1 of 4 stars). 6 submissions from 6 submitters: Uncertain significance (2); Likely benign (4). Last evaluated 2026-05-07.

Conditions:
Neutropenia, severe congenital, 2, autosomal dominant. Identifiers: Orphanet 486, MedGen C2751288, MONDO:0013139, OMIM 613107.
GFI1-related disorder. Also called: GFI1-related condition.

Allele frequency attached by ClinVar (database versions not stated): gnomAD exomes 0.00001 and 0.00005; gnomAD 0.00022 and 0.00023; TOPMed 0.00026; 1000 Genomes Project 30x 0.00031; ExAC 0.00006; ESP Exome Variant Server 0.00015; 1000 Genomes Project 0.00020.
gnomAD v4.1: 56 of 1,613,346 alleles (0.0035%); highest among the groups gnomAD compares: African/African-American, 0.072%; no homozygotes.

Submissions (6):

PreventionGenetics, part of Exact Sciences
Classification: Likely benign for GFI1-related condition. Last evaluated: 2026-05-07. Review status: criteria provided, single submitter. Criteria: ACMG Guidelines, 2015. Collection method: clinical testing. Allele origin: germline.
Comment: This variant is classified as likely benign based on ACMG/AMP sequence variant interpretation guidelines (Richards et al. 2015 PMID: 25741868, with internal and published modifications).

Women's Health and Genetics/Laboratory Corporation of America, LabCorp
Classification: Likely benign. Last evaluated: 2026-01-23. Review status: criteria provided, single submitter. Criteria: LabCorp Variant Classification Summary - May 2015. Collection method: clinical testing. Allele origin: germline.

Labcorp Genetics (formerly Invitae), Labcorp
Classification: Likely benign for Neutropenia, severe congenital, 2, autosomal dominant. Last evaluated: 2025-11-25. Review status: criteria provided, single submitter. Criteria: Invitae Variant Classification Sherloc (09022015). Collection method: clinical testing. Allele origin: germline.

Ambry Genetics
Classification: Uncertain significance. Last evaluated: 2025-04-25. Review status: criteria provided, single submitter. Criteria: Ambry Variant Classification Scheme 2023. Collection method: clinical testing. Allele origin: germline.

Blueprint Genetics
Classification: Likely benign. Last evaluated: 2020-10-09. Review status: criteria provided, single submitter. Criteria: ACMG Guidelines, 2015. Collection method: clinical testing. Allele origin: germline.

Genetic Services Laboratory, University of Chicago
Classification: Uncertain significance. Last evaluated: 2017-10-27. Review status: criteria provided, single submitter. Criteria: ACMG Guidelines, 2015. Collection method: clinical testing. Allele origin: germline. Affected: no.

NM_005263.5(GFI1):c.200G>A (p.Arg67Lys)

Gene: GFI1 (growth factor independent 1 transcriptional repressor; minus strand). Cytogenetic location: 1p22.1.
Variant type: single nucleotide variant.
Coding change: c.200G>A on transcript NM_005263.5 (MANE Select); coding-DNA position 200, G replaced by A.
Protein change: p.Arg67Lys; replaces arginine 67 with lysine.
Molecular consequence: missense variant.
Genome position (GRCh38, 1-based): chr1:92,482,962, C>T on the plus strand (G>A on the coding strand, the complement: GFI1 is on the minus strand). VCF-style: chr1-92482962-C-T. GRCh37 (hg19) VCF-style: chr1-92948519-C-T.
Other names: c.200G>A, p.Arg67Lys (NM_001127215.3, NM_001127216.3); short protein forms R67K.
Identifiers: ClinVar variation 1131120 (VCV001131120.19), dbSNP rs200577201, ClinGen allele CA951462.